The following is an entry in ClinVar:

ClinVar aggregate classification (germline): Uncertain significance (1 of 4 stars; one submission).

Conditions:
Inborn genetic diseases. Identifiers: MedGen C0950123, MeSH D030342.

Submission:

Ambry Genetics
Classification: Uncertain significance for Inborn genetic diseases. Last evaluated: 2025-06-20. Review status: criteria provided, single submitter. Criteria: Ambry Variant Classification Scheme 2023. Collection method: clinical testing. Allele origin: germline.
Comment: The p.S807A variant (also known as c.2419T>G), located in coding exon 20 of the DNMT3A gene, results from a T to G substitution at nucleotide position 2419. The serine at codon 807 is replaced by alanine, an amino acid with similar properties. This amino acid position is conserved. In addition, the in silico prediction for this alteration is inconclusive. Based on the available evidence, the clinical significance of this variant remains unclear.

NM_022552.5(DNMT3A):c.2419T>G (p.Ser807Ala)

Gene: DNMT3A (DNA methyltransferase 3 alpha; minus strand). Cytogenetic location: 2p23.3.
Variant type: single nucleotide variant.
Coding change: c.2419T>G on transcript NM_022552.5 (MANE Select); coding-DNA position 2419, T replaced by G.
Protein change: p.Ser807Ala; replaces serine 807 with alanine.
Molecular consequence: missense variant. On other transcripts: non-coding transcript variant (1).
Genome position (GRCh38, 1-based): chr2:25,236,995, A>C on the plus strand (T>G on the coding strand, the complement: DNMT3A is on the minus strand). VCF-style: chr2-25236995-A-C. GRCh37 (hg19) VCF-style: chr2-25459864-A-C.
Other names: c.1852T>G, p.Ser618Ala (NM_153759.3); c.2419T>G, p.Ser807Ala (NM_175629.2); c.1963T>G, p.Ser655Ala (NM_001320893.1); c.1750T>G, p.Ser584Ala (NM_001375819.1); short protein forms S618A, S655A, S807A, S584A.
Identifiers: ClinVar variation 4243580 (VCV004243580.1).
Genomic context (GRCh38, chr2:25,236,995, plus strand): 5'-CCTTGGCTATCCTGCCATGCTCCAGACACTCCTGCAGCTCCAGCTTATCATTCACAGTGG[A>C]TGCCAACGGCCTAGGAGGCAGAAGAGAGACTGTAACAACAGAAACCTGGATAACAGCGGG-3'
Protein context (NP_072046.2, residues 797-817): NLPGMNRPLA[Ser807Ala]TVNDKLELQE